The following is an entry in ClinVar:

NM_004281.4(BAG3):c.1667C>A (p.Ala556Glu)

Gene: BAG3 (BAG cochaperone 3; plus strand). Cytogenetic location: 10q26.11.
Variant type: single nucleotide variant.
Coding change: c.1667C>A on transcript NM_004281.4 (MANE Select); coding-DNA position 1667, C replaced by A.
Protein change: p.Ala556Glu; replaces alanine 556 with glutamic acid.
Molecular consequence: missense variant.
Genome position (GRCh38, 1-based): chr10:119,677,221, C>A. VCF-style: chr10-119677221-C-A. GRCh37 (hg19) VCF-style: chr10-121436733-C-A.
Other names: short protein forms A556E.
Identifiers: ClinVar variation 298964 (VCV000298964.14), dbSNP rs886046756, ClinGen allele CA10628100.
Genomic context (GRCh38, chr10:119,677,221, plus strand): 5'-AGAAAAATGCTGGAAATGCAGAAGATCCCCACACAGAAACCCAGCAGCCAGAAGCCACAG[C>A]AGCAGCGACTTCAAACCCCAGCAGCATGACAGACACCCCTGGTAACCCAGCAGCACCGTA-3'
Protein context (NP_004272.2, residues 546-566): HTETQQPEAT[Ala556Glu]AATSNPSSMT

ClinVar aggregate classification (germline): Uncertain significance. Review status: criteria provided, multiple submitters, no conflicts (2 of 4 stars). 4 submissions from 3 submitters: Uncertain significance (4). Last evaluated 2024-06-04.

Conditions:
Myofibrillar myopathy 6. Identifiers: Orphanet 199340, MedGen C2751831, MONDO:0013061, OMIM 612954.
Dilated cardiomyopathy 1HH (CMD1HH). Identifiers: Orphanet 154, MedGen C3151293, MONDO:0013479, OMIM 613881.

Allele frequency attached by ClinVar (database versions not stated): gnomAD exomes below 0.00001; TOPMed below 0.00001; gnomAD 0.00001.
gnomAD v4.1: 6 of 1,614,032 alleles (0.00037%); highest among the groups gnomAD compares: Non-Finnish European, 0.00042%; no homozygotes.

Submissions (4):

GeneDx
Classification: Uncertain significance. Last evaluated: 2024-06-04. Review status: criteria provided, single submitter. Criteria: GeneDx Variant Classification Process June 2021. Collection method: clinical testing. Allele origin: germline. Affected: yes.
Comment: Not observed at significant frequency in large population cohorts (gnomAD); In silico analysis indicates that this missense variant does not alter protein structure/function; Has not been previously published as pathogenic or benign to our knowledge

Labcorp Genetics (formerly Invitae), Labcorp
Classification: Uncertain significance for Dilated cardiomyopathy 1HH; Myofibrillar myopathy 6. Last evaluated: 2021-03-28. Review status: criteria provided, single submitter. Criteria: Invitae Variant Classification Sherloc (09022015). Collection method: clinical testing. Allele origin: germline.
Comment: This variant is not present in population databases (ExAC no frequency). In summary, the available evidence is currently insufficient to determine the role of this variant in disease. Therefore, it has been classified as a Variant of Uncertain Significance. Algorithms developed to predict the effect of missense changes on protein structure and function output the following: SIFT: "Tolerated"; PolyPhen-2: "Not Available"; Align-GVGD: "Class C0". The glutamic acid amino acid residue is found in multiple mammalian species, suggesting that this missense change does not adversely affect protein function. These predictions have not been confirmed by published functional studies and their clinical significance is uncertain. This variant has not been reported in the literature in individuals with BAG3-related conditions. ClinVar contains an entry for this variant (Variation ID: 298964). This sequence change replaces alanine with glutamic acid at codon 556 of the BAG3 protein (p.Ala556Glu). The alanine residue is moderately conserved and there is a moderate physicochemical difference between alanine and glutamic acid.

Illumina Laboratory Services, Illumina
Classification: Uncertain significance for Myofibrillar myopathy 6. Last evaluated: 2018-01-13. Review status: criteria provided, single submitter. Criteria: ICSL Variant Classification Criteria 13 December 2019. Collection method: clinical testing. Allele origin: germline.

Illumina Laboratory Services, Illumina
Classification: Uncertain significance for Dilated cardiomyopathy 1HH. Last evaluated: 2018-01-13. Review status: criteria provided, single submitter. Criteria: ICSL Variant Classification Criteria 13 December 2019. Collection method: clinical testing. Allele origin: germline.